The following is an entry in ClinVar:

ClinVar aggregate classification (germline): Uncertain significance. Review status: criteria provided, multiple submitters, no conflicts (2 of 4 stars). 3 submissions from 3 submitters: Uncertain significance (2). 1 of the submissions does not count toward it. Last evaluated 2026-09-01.

Conditions:
Hypophosphatasia. Also called: Phosphoethanol-aminuria. Identifiers: Orphanet 436, MedGen C0020630, MeSH D007014, MONDO:0018570.

gnomAD v4.1: 2 of 1,598,660 alleles (0.00013%); highest among the groups gnomAD compares: Admixed American, 0.0017%; no homozygotes.

Submissions (3):

Genomenon, Inc
Classification: Uncertain significance for Hypophosphatasia. Last evaluated: 2026-09-01. Review status: criteria provided, single submitter. Criteria: Genomenon Sequence Variant Interpretation Standards - Updated. Collection method: curation. Allele origin: germline. Affected: no.
Comment: ALPL p.Pro519Leu (c.1556C>T) is a missense variant that changes the amino acid at codon 519 from Proline to Leucine. This variant has been reported in the published literature (PMID:32160374). It is absent or not present at a significant frequency in gnomAD. In silico models predict that this variant is not damaging. In conclusion, we classify ALPL p.Pro519Leu (c.1556C>T) as a variant of uncertain significance.

Labcorp Genetics (formerly Invitae), Labcorp
Classification: Uncertain significance. Last evaluated: 2024-10-17. Review status: criteria provided, single submitter. Criteria: Invitae Variant Classification Sherloc (09022015). Collection method: clinical testing. Allele origin: germline.
Comment: This sequence change replaces proline, which is neutral and non-polar, with leucine, which is neutral and non-polar, at codon 519 of the ALPL protein (p.Pro519Leu). This variant is present in population databases (no rsID available, gnomAD 0.003%). This variant has not been reported in the literature in individuals affected with ALPL-related conditions. An algorithm developed to predict the effect of missense changes on protein structure and function outputs the following: PolyPhen-2: "Not Available". The leucine amino acid residue is found in multiple mammalian species, which suggests that this missense change does not adversely affect protein function. In summary, the available evidence is currently insufficient to determine the role of this variant in disease. Therefore, it has been classified as a Variant of Uncertain Significance.

Natera, Inc.
Classification: Uncertain significance for Hypophosphatasia. Last evaluated: 2025-02-14. Review status: no assertion criteria provided. Collection method: clinical testing. Allele origin: germline. Not counted in ClinVar's aggregate classification.

Literature cited by the submitters: PubMed 32160374 (cited by Genomenon, Inc).

NM_000478.6(ALPL):c.1556C>T (p.Pro519Leu)

Gene: ALPL (alkaline phosphatase, biomineralization associated; plus strand). Cytogenetic location: 1p36.12.
Variant type: single nucleotide variant.
Coding change: c.1556C>T on transcript NM_000478.6 (MANE Select); coding-DNA position 1556, C replaced by T.
Protein change: p.Pro519Leu; replaces proline 519 with leucine.
Molecular consequence: missense variant.
Genome position (GRCh38, 1-based): chr1:21,577,629, C>T. VCF-style: chr1-21577629-C-T. GRCh37 (hg19) VCF-style: chr1-21904122-C-T.
Other names: c.1556C>T (NM_000478.5); c.1391C>T, p.Pro464Leu (NM_001127501.4); c.1325C>T, p.Pro442Leu (NM_001177520.3); c.1556C>T, p.Pro519Leu (NM_001369803.2, NM_001369804.2, NM_001369805.2); short protein forms P442L, P464L, P519L.
Identifiers: ClinVar variation 3615463 (VCV003615463.4).